The following is an entry in ClinVar:

ClinVar aggregate classification (germline): Uncertain significance (1 of 4 stars; one submission).

gnomAD v4.1: 5 of 1,612,318 alleles (0.00031%); highest among the groups gnomAD compares: Middle Eastern, 0.05%; no homozygotes.

Submission:

Labcorp Genetics (formerly Invitae), Labcorp
Classification: Uncertain significance. Last evaluated: 2025-03-24. Review status: criteria provided, single submitter. Criteria: Invitae Variant Classification Sherloc (09022015). Collection method: clinical testing. Allele origin: germline.
Comment: This sequence change replaces lysine, which is basic and polar, with glutamine, which is neutral and polar, at codon 160 of the OTULIN protein (p.Lys160Gln). This variant is not present in population databases (gnomAD no frequency). This variant has not been reported in the literature in individuals affected with OTULIN-related conditions. ClinVar contains an entry for this variant (Variation ID: 1442952). Invitae Evidence Modeling of protein sequence and biophysical properties (such as structural, functional, and spatial information, amino acid conservation, physicochemical variation, residue mobility, and thermodynamic stability) indicates that this missense variant is not expected to disrupt OTULIN protein function with a negative predictive value of 80%. In summary, the available evidence is currently insufficient to determine the role of this variant in disease. Therefore, it has been classified as a Variant of Uncertain Significance.

NM_138348.6(OTULIN):c.478A>C (p.Lys160Gln)

Gene: OTULIN (OTU deubiquitinase with linear linkage specificity; plus strand). Cytogenetic location: 5p15.2.
Variant type: single nucleotide variant.
Coding change: c.478A>C on transcript NM_138348.6 (MANE Select); coding-DNA position 478, A replaced by C.
Protein change: p.Lys160Gln; replaces lysine 160 with glutamine.
Molecular consequence: missense variant.
Genome position (GRCh38, 1-based): chr5:14,687,530, A>C. VCF-style: chr5-14687530-A-C. GRCh37 (hg19) VCF-style: chr5-14687639-A-C.
Other names: short protein forms K160Q.
Identifiers: ClinVar variation 1442952 (VCV001442952.8), dbSNP rs751122695, ClinGen allele CA359243149.